The following is an entry in ClinVar:

NM_006005.3(WFS1):c.2103del (p.Gly702fs)

Gene: WFS1 (wolframin ER transmembrane glycoprotein; plus strand). Cytogenetic location: 4p16.1.
Variant type: Deletion.
Coding change: c.2103del on transcript NM_006005.3 (MANE Select); coding-DNA position 2103, one base deleted (C; older notation c.2103delC).
Protein change: p.Gly702fs; shifts the reading frame from glycine 702.
Molecular consequence: frameshift variant.
Genome position (GRCh38, 1-based): chr4:6,301,898, C deleted; the last of 2 consecutive C bases (chr4:6,301,897-6,301,898); deleting either gives the same sequence. VCF-style (leftmost placement, unchanged base first): chr4-6301896-AC-A. GRCh37 (hg19) VCF-style: chr4-6303623-AC-A.
Other names: c.2103del, p.Gly702fs (NM_001145853.1); short protein forms G702fs.
Identifiers: ClinVar variation 2742334 (VCV002742334.3), dbSNP rs2474195933, ClinGen allele CA2697557066.
Genomic context (GRCh38, chr4:6,301,896, plus strand): 5'-ACCAACATGGCGCGCACCCAGATCCTCTGCAGCCACCTGGAGGGCCACAGGGTCACGTGG[AC>A]CGGCCGCTTCAAGTACGTCCGCGTGACTGACATCGACAACAGCGCCGAGTCTGCCATCAA-3'

ClinVar aggregate classification (germline): Pathogenic (1 of 4 stars; one submission).

Submission:

Labcorp Genetics (formerly Invitae), Labcorp
Classification: Pathogenic. Last evaluated: 2023-07-12. Review status: criteria provided, single submitter. Criteria: Invitae Variant Classification Sherloc (09022015). Collection method: clinical testing. Allele origin: germline.
Comment: This sequence change creates a premature translational stop signal (p.Gly702Alafs*8) in the WFS1 gene. While this is not anticipated to result in nonsense mediated decay, it is expected to disrupt the last 189 amino acid(s) of the WFS1 protein. This variant is not present in population databases (gnomAD no frequency). This variant has not been reported in the literature in individuals affected with WFS1-related conditions. This variant disrupts a region of the WFS1 protein in which other variant(s) (p.Pro885Leu) have been determined to be pathogenic (PMID: 10521293, 16806192, 28432734). This suggests that this is a clinically significant region of the protein, and that variants that disrupt it are likely to be disease-causing. For these reasons, this variant has been classified as Pathogenic.

Literature cited by the submitters: PubMed 10521293; PubMed 16806192; PubMed 28432734.